The following is an entry in ClinVar:

NM_001572.5(IRF7):c.1095G>C (p.Gln365His)

Gene: IRF7 (interferon regulatory factor 7; minus strand). Cytogenetic location: 11p15.5.
Variant type: single nucleotide variant.
Coding change: c.1095G>C on transcript NM_001572.5 (MANE Select); coding-DNA position 1095, G replaced by C.
Protein change: p.Gln365His; replaces glutamine 365 with histidine.
Molecular consequence: missense variant.
Genome position (GRCh38, 1-based): chr11:613,348, C>G on the plus strand (G>C on the coding strand, the complement: IRF7 is on the minus strand). VCF-style: chr11-613348-C-G. GRCh37 (hg19) VCF-style: chr11-613348-C-G.
Other names: c.1008G>C, p.Gln336His (NM_004029.4); c.1134G>C, p.Gln378His (NM_004031.4); short protein forms Q336H, Q365H, Q378H.
Identifiers: ClinVar variation 3286535 (VCV003286535.3).
Genomic context (GRCh38, chr11:613,348, plus strand): 5'-GCCTGGGGGTCCGCCCACCTCCCAGTACACCTTGCACTTGCCCATGCGCCGGGCCCACAG[C>G]TGTGGCCCCCGAAGCTCCAGGTGCAACCCAGGGGCCACGTGCCGCAGCAGTTCCTCCGTG-3'
Protein context (NP_001563.2, residues 355-375): PGLHLELRGP[Gln365His]LWARRMGKCK

ClinVar aggregate classification (germline): Uncertain significance. Review status: criteria provided, multiple submitters, no conflicts (2 of 4 stars). 2 submissions from 2 submitters: Uncertain significance (2). Last evaluated 2025-11-18.

Conditions:
Immunodeficiency 39 (IMD39). Identifiers: Orphanet 574918, MedGen C4225358, MONDO:0014597, OMIM 616345.

gnomAD v4.1: 10 of 1,611,318 alleles (0.00062%); highest among the groups gnomAD compares: Non-Finnish European, 0.00076%; no homozygotes.

Submissions (2):

Labcorp Genetics (formerly Invitae), Labcorp
Classification: Uncertain significance for Immunodeficiency 39. Last evaluated: 2025-11-18. Review status: criteria provided, single submitter. Criteria: Invitae Variant Classification Sherloc (09022015). Collection method: clinical testing. Allele origin: germline.
Comment: This sequence change replaces glutamine, which is neutral and polar, with histidine, which is basic and polar, at codon 378 of the IRF7 protein (p.Gln378His). This variant is present in population databases (rs767789503, gnomAD 0.003%). This variant has not been reported in the literature in individuals affected with IRF7-related conditions. ClinVar contains an entry for this variant (Variation ID: 3286535). Invitae Evidence Modeling of protein sequence and biophysical properties (such as structural, functional, and spatial information, amino acid conservation, physicochemical variation, residue mobility, and thermodynamic stability) indicates that this missense variant is not expected to disrupt IRF7 protein function with a negative predictive value of 80%. In summary, the available evidence is currently insufficient to determine the role of this variant in disease. Therefore, it has been classified as a Variant of Uncertain Significance.

Ambry Genetics
Classification: Uncertain significance. Last evaluated: 2024-06-04. Review status: criteria provided, single submitter. Criteria: Ambry Variant Classification Scheme 2023. Collection method: clinical testing. Allele origin: germline.